The following is an entry in ClinVar:

ClinVar aggregate classification (germline): Uncertain significance. Review status: criteria provided, multiple submitters, no conflicts (2 of 4 stars). 2 submissions from 2 submitters: Uncertain significance (2). Last evaluated 2024-01-23.

Conditions:
Infantile nephronophthisis (NPHP2). Also called: Nephronophthisis 2, infantile; Nephronophthisis 2. Identifiers: Orphanet 655, Orphanet 93591, MedGen C1865872, MONDO:0011190, OMIM 602088.

Submissions (2):

Fulgent Genetics
Classification: Uncertain significance for Infantile nephronophthisis. Last evaluated: 2024-01-23. Review status: criteria provided, single submitter. Criteria: ACMG Guidelines, 2015. Collection method: clinical testing. Allele origin: germline.

Mayo Clinic Laboratories, Mayo Clinic
Classification: Uncertain significance. Last evaluated: 2023-08-15. Review status: criteria provided, single submitter. Criteria: ACMG Guidelines, 2015. Collection method: clinical testing. Allele origin: germline. Observed: 1 variant allele.
Comment: PM2_moderate

NM_014425.5(INVS):c.1758A>C (p.Glu586Asp)

Gene: INVS (inversin; plus strand). Cytogenetic location: 9q31.1.
Variant type: single nucleotide variant.
Coding change: c.1758A>C on transcript NM_014425.5 (MANE Select); coding-DNA position 1758, A replaced by C.
Protein change: p.Glu586Asp; replaces glutamic acid 586 with aspartic acid.
Molecular consequence: missense variant. On other transcripts: non-coding transcript variant (1).
Genome position (GRCh38, 1-based): chr9:100,273,050, A>C. VCF-style: chr9-100273050-A-C. GRCh37 (hg19) VCF-style: chr9-103035332-A-C.
Other names: p.Glu586Asp; c.1470A>C, p.Glu490Asp (NM_001318381.2); c.780A>C, p.Glu260Asp (NM_001318382.2); short protein forms E260D, E490D, E586D.
Identifiers: ClinVar variation 3379881 (VCV003379881.2).